The following is an entry in ClinVar:

ClinVar aggregate classification (germline): Uncertain significance (1 of 4 stars; one submission).

Allele frequency attached by ClinVar (database versions not stated): TOPMed below 0.00001; gnomAD 0.00001; gnomAD exomes 0.00003; ExAC 0.00005; ESP Exome Variant Server 0.00008.
gnomAD v4.1: 19 of 1,614,106 alleles (0.0012%); highest among the groups gnomAD compares: Non-Finnish European, 0.00042%; 1 homozygote.

Submission:

Labcorp Genetics (formerly Invitae), Labcorp
Classification: Uncertain significance. Last evaluated: 2023-08-19. Review status: criteria provided, single submitter. Criteria: Invitae Variant Classification Sherloc (09022015). Collection method: clinical testing. Allele origin: germline.
Comment: In summary, the available evidence is currently insufficient to determine the role of this variant in disease. Therefore, it has been classified as a Variant of Uncertain Significance. Algorithms developed to predict the effect of sequence changes on RNA splicing suggest that this variant may disrupt the consensus splice site. This variant has not been reported in the literature in individuals affected with TUBA8-related conditions. This variant is present in population databases (rs372938703, gnomAD 0.03%). This sequence change affects codon 89 of the TUBA8 mRNA. It is a 'silent' change, meaning that it does not change the encoded amino acid sequence of the TUBA8 protein.

NM_018943.3(TUBA8):c.267A>G (p.Pro89=)

Gene: TUBA8 (tubulin alpha 8; plus strand). Cytogenetic location: 22q11.21.
Variant type: single nucleotide variant.
Coding change: c.267A>G on transcript NM_018943.3 (MANE Select); coding-DNA position 267, A replaced by G.
Protein change: p.Pro89=; no amino-acid change (proline 89 retained).
Molecular consequence: synonymous variant.
Genome position (GRCh38, 1-based): chr22:18,124,196, A>G. VCF-style: chr22-18124196-A-G. GRCh37 (hg19) VCF-style: chr22-18606963-A-G.
Other names: c.69A>G, p.Pro23= (NM_001193414.2).
Identifiers: ClinVar variation 2752006 (VCV002752006.3), dbSNP rs372938703, ClinGen allele CA10093632.